The following is an entry in ClinVar:

ClinVar aggregate classification (germline): Uncertain significance (1 of 4 stars; one submission).

Submission:

Greenwood Genetic Center Diagnostic Laboratories, Greenwood Genetic Center
Classification: Uncertain significance. Last evaluated: 2026-05-20. Review status: criteria provided, single submitter. Criteria: ACMG Guidelines, 2015. Collection method: clinical testing. Allele origin: germline.
Comment: PM2, BP4

NM_032590.5(KDM2B):c.1232AGG[2] (p.Glu413del)

Gene: KDM2B (lysine demethylase 2B; minus strand). Cytogenetic location: 12q24.31.
Variant type: Microsatellite.
Coding change: c.1232AGG[2] on transcript NM_032590.5 (MANE Select); two copies in a row of the 3-base unit AGG starting at c.1232; the reference has three copies in a row; one copy, 3 bases deleted; also written c.1238_1240del.
Protein change: p.Glu413del; deletes glutamic acid 413.
Molecular consequence: inframe deletion.
Genome position (GRCh38, 1-based): chr12:121,509,974-121,509,976, CCT deleted on the plus strand (AGG on the coding strand, the reverse complement: KDM2B is on the minus strand); deleting any 3 consecutive bases within chr12:121,509,974-121,509,984 gives the same sequence; the position shown is the placement nearest the transcript's 3' end. VCF-style (leftmost placement, unchanged base first): chr12-121509973-GCCT-G. GRCh37 (hg19) VCF-style: chr12-121947776-GCCT-G.
Other names: c.1139AGG[2], p.Glu382del (NM_001005366.2, NM_001439025.1, NM_001439026.1); c.1328AGG[2], p.Glu445del (NM_001439014.1, NM_001439015.1); c.1310AGG[2], p.Glu439del (NM_001439016.1); c.1232AGG[2], p.Glu413del (NM_001439017.1, NM_001439018.1); c.1217AGG[2], p.Glu408del (NM_001439020.1); c.1199AGG[2], p.Glu402del (NM_001439021.1); c.1169AGG[2], p.Glu392del (NM_001439022.1, NM_001439023.1, NM_001439029.1); c.1121AGG[2], p.Glu376del (NM_001439028.1); and 1 more; short protein forms E376del, E382del, E392del, E402del, E408del, E413del, E439del, E445del.
Identifiers: ClinVar variation 4891092 (VCV004891092.1).